The following is an entry in ClinVar:

NM_002471.4(MYH6):c.1783C>A (p.Leu595Met)

Gene: MYH6 (myosin heavy chain 6; minus strand). Cytogenetic location: 14q11.2.
Variant type: single nucleotide variant.
Coding change: c.1783C>A on transcript NM_002471.4 (MANE Select); coding-DNA position 1783, C replaced by A.
Protein change: p.Leu595Met; replaces leucine 595 with methionine.
Molecular consequence: missense variant.
Genome position (GRCh38, 1-based): chr14:23,398,836, G>T on the plus strand (C>A on the coding strand, the complement: MYH6 is on the minus strand). VCF-style: chr14-23398836-G-T. GRCh37 (hg19) VCF-style: chr14-23868045-G-T.
Other names: short protein forms L595M.
Identifiers: ClinVar variation 2430722 (VCV002430722.1), dbSNP rs759236619, ClinGen allele CA389020116.

ClinVar aggregate classification (germline): Uncertain significance (1 of 4 stars; one submission).

Submission:

GeneDx
Classification: Uncertain significance. Last evaluated: 2022-08-15. Review status: criteria provided, single submitter. Criteria: GeneDx Variant Classification Process June 2021. Collection method: clinical testing. Allele origin: germline. Affected: yes.
Comment: Has not been previously published as pathogenic or benign to our knowledge; Not observed at significant frequency in large population cohorts (gnomAD); In silico analysis supports that this missense variant does not alter protein structure/function